The following is an entry in ClinVar:

NM_000548.5(TSC2):c.2942G>C (p.Ser981Thr)

Gene: TSC2 (TSC complex subunit 2; plus strand). Cytogenetic location: 16p13.3.
Variant type: single nucleotide variant.
Coding change: c.2942G>C on transcript NM_000548.5 (MANE Select); coding-DNA position 2942, G replaced by C.
Protein change: p.Ser981Thr; replaces serine 981 with threonine.
Molecular consequence: missense variant. On other transcripts: intron variant (9).
Genome position (GRCh38, 1-based): chr16:2,077,702, G>C. VCF-style: chr16-2077702-G-C. GRCh37 (hg19) VCF-style: chr16-2127703-G-C.
Other names: c.2942G>C, p.Ser981Thr (NM_001114382.3); c.2837+1117G>C (NM_021055.3, NM_001370405.1, NM_001363528.2 and 2 more transcripts); c.2726+1117G>C (NM_001318827.2); c.2237+1117G>C (NM_001318831.2); c.2690+1117G>C (NM_001318829.2); c.2870+1117G>C (NM_001318832.2); short protein forms S981T.
Identifiers: ClinVar variation 654322 (VCV000654322.9), dbSNP rs1596375336, ClinGen allele CA394281457.
Genomic context (GRCh38, chr16:2,077,702, plus strand): 5'-CACCCGTGAAAGAATTCAAGGAGAGCTCTGCAGCCGAGGCCTTCCGGTGCCGCAGCATCA[G>C]TGTGTCTGAACATGTGGTCCGCAGGTAGCGGGACTGTCGGGTGGGGGGCACGGACCCTGG-3'
Protein context (NP_000539.2, residues 971-991): AAEAFRCRSI[Ser981Thr]VSEHVVRSRI

ClinVar aggregate classification (germline): Uncertain significance. Review status: criteria provided, multiple submitters, no conflicts (2 of 4 stars). 2 submissions from 2 submitters: Uncertain significance (2). Last evaluated 2024-11-14.

Conditions:
Hereditary cancer-predisposing syndrome. Also called: Neoplastic Syndromes, Hereditary; Hereditary neoplastic syndrome; Hereditary Cancer Syndrome; Tumor predisposition. Identifiers: Orphanet 140162, MedGen C0027672, MeSH D009386, MONDO:0015356.
Tuberous sclerosis 2 (TSC2). Identifiers: Orphanet 805, MedGen C1860707, MONDO:0013199, OMIM 613254.

Submissions (2):

Ambry Genetics
Classification: Uncertain significance for Hereditary cancer-predisposing syndrome. Last evaluated: 2024-11-14. Review status: criteria provided, single submitter. Criteria: Ambry Variant Classification Scheme 2023. Collection method: clinical testing. Allele origin: germline.
Comment: The p.S981T variant (also known as c.2942G>C), located in coding exon 25 of the TSC2 gene, results from a G to C substitution at nucleotide position 2942. The serine at codon 981 is replaced by threonine, an amino acid with similar properties. This amino acid position is conserved. In addition, this alteration is predicted to be deleterious by in silico analysis. Based on the available evidence, the clinical significance of this variant remains unclear.

Labcorp Genetics (formerly Invitae), Labcorp
Classification: Uncertain significance for Tuberous sclerosis 2. Last evaluated: 2018-08-20. Review status: criteria provided, single submitter. Criteria: Invitae Variant Classification Sherloc (09022015). Collection method: clinical testing. Allele origin: germline.
Comment: In summary, the available evidence is currently insufficient to determine the role of this variant in disease. Therefore, it has been classified as a Variant of Uncertain Significance. Algorithms developed to predict the effect of missense changes on protein structure and function are either unavailable or do not agree on the potential impact of this missense change (SIFT: "Deleterious"; PolyPhen-2: "Possibly Damaging"; Align-GVGD: "Class C0"). This variant has not been reported in the literature in individuals with TSC2-related disease. This variant is not present in population databases (ExAC no frequency). This sequence change replaces serine with threonine at codon 981 of the TSC2 protein (p.Ser981Thr). The serine residue is moderately conserved and there is a small physicochemical difference between serine and threonine.